The following is an entry in ClinVar:

NM_002693.3(POLG):c.2981+206C>A

Gene: POLG (DNA polymerase gamma, catalytic subunit; minus strand). Cytogenetic location: 15q26.1.
Variant type: single nucleotide variant.
Coding change: c.2981+206C>A on transcript NM_002693.3 (MANE Select); 206 bases into the intron after coding-DNA position 2981, C replaced by A.
Molecular consequence: intron variant.
Genome position (GRCh38, 1-based): chr15:89,320,560, G>T on the plus strand (C>A on the coding strand, the complement: POLG is on the minus strand). VCF-style: chr15-89320560-G-T. GRCh37 (hg19) VCF-style: chr15-89863791-G-T.
Other names: c.2981+206C>A (NM_001126131.2).
Identifiers: ClinVar variation 667972 (VCV000667972.1), dbSNP rs11853304, ClinGen allele CA274545597.

ClinVar aggregate classification (germline): Benign (1 of 4 stars; one submission).

Allele frequency attached by ClinVar (database versions not stated): gnomAD 0.02782 and 0.02986; 1000 Genomes Project 0.02915; TOPMed 0.03196; 1000 Genomes Project 30x 0.03279.
gnomAD v4.1: 4,207 of 152,284 alleles (2.8%); highest among the groups gnomAD compares: African/African-American, 9.2%; 165 homozygotes.

Submission:

GeneDx
Classification: Benign. Last evaluated: 2018-06-16. Review status: criteria provided, single submitter. Criteria: GeneDx Variant Classification (06012015). Collection method: clinical testing. Allele origin: germline. Affected: yes.
Comment: This variant is considered likely benign or benign based on one or more of the following criteria: it is a conservative change, it occurs at a poorly conserved position in the protein, it is predicted to be benign by multiple in silico algorithms, and/or has population frequency not consistent with disease.